The following is an entry in ClinVar:

ClinVar aggregate classification (germline): Uncertain significance (1 of 4 stars; one submission).

gnomAD v4.1: 1 of 1,613,916 alleles (0.000062%); highest among the groups gnomAD compares: African/African-American, 0.0013%; no homozygotes.

Submission:

Labcorp Genetics (formerly Invitae), Labcorp
Classification: Uncertain significance. Last evaluated: 2025-12-15. Review status: criteria provided, single submitter. Criteria: Invitae Variant Classification Sherloc (09022015). Collection method: clinical testing. Allele origin: germline.
Comment: This sequence change replaces lysine, which is basic and polar, with arginine, which is basic and polar, at codon 254 of the ETV6 protein (p.Lys254Arg). This variant is not present in population databases (gnomAD no frequency). This variant has not been reported in the literature in individuals affected with ETV6-related conditions. Invitae Evidence Modeling of protein sequence and biophysical properties (such as structural, functional, and spatial information, amino acid conservation, physicochemical variation, residue mobility, and thermodynamic stability) indicates that this missense variant is not expected to disrupt ETV6 protein function with a negative predictive value of 80%. In summary, the available evidence is currently insufficient to determine the role of this variant in disease. Therefore, it has been classified as a Variant of Uncertain Significance.

NM_001987.5(ETV6):c.761A>G (p.Lys254Arg)

Gene: ETV6 (ETS variant transcription factor 6; plus strand). Cytogenetic location: 12p13.2.
Variant type: single nucleotide variant.
Coding change: c.761A>G on transcript NM_001987.5 (MANE Select); coding-DNA position 761, A replaced by G.
Protein change: p.Lys254Arg; replaces lysine 254 with arginine.
Molecular consequence: missense variant.
Genome position (GRCh38, 1-based): chr12:11,869,721, A>G. VCF-style: chr12-11869721-A-G. GRCh37 (hg19) VCF-style: chr12-12022655-A-G.
Other names: c.758A>G, p.Lys253Arg (NM_001413913.1); c.734A>G, p.Lys245Arg (NM_001413914.1); c.497A>G, p.Lys166Arg (NM_001413915.1); c.761A>G, p.Lys254Arg (NM_001413916.1, NM_001413917.1); short protein forms K245R, K166R, K253R, K254R.
Identifiers: ClinVar variation 4739092 (VCV004739092.1).